The following is an entry in ClinVar:

NM_006031.6(PCNT):c.4792-5A>C

Gene: PCNT (pericentrin; plus strand). Cytogenetic location: 21q22.3.
Variant type: single nucleotide variant.
Coding change: c.4792-5A>C on transcript NM_006031.6 (MANE Select); 5 bases into the intron before coding-DNA position 4792, A replaced by C.
Molecular consequence: intron variant.
Genome position (GRCh38, 1-based): chr21:46,401,546, A>C. VCF-style: chr21-46401546-A-C. GRCh37 (hg19) VCF-style: chr21-47821460-A-C.
Other names: c.4438-5A>C (NM_001315529.2).
Identifiers: ClinVar variation 3345818 (VCV003345818.1).

ClinVar aggregate classification (germline): Likely benign (0 of 4 stars; one submission).

Conditions:
PCNT-related disorder. Also called: PCNT-related condition.

Submission:

PreventionGenetics, part of Exact Sciences
Classification: Likely benign for PCNT-related condition. Last evaluated: 2024-09-23. Review status: no assertion criteria provided. Collection method: clinical testing. Allele origin: germline.
Comment: This variant is classified as likely benign based on ACMG/AMP sequence variant interpretation guidelines (Richards et al. 2015 PMID: 25741868, with internal and published modifications).